The following is an entry in ClinVar:

NM_003482.4(KMT2D):c.11531del (p.Gly3844fs)

Gene: KMT2D (lysine methyltransferase 2D; minus strand). Cytogenetic location: 12q13.12.
Variant type: Deletion.
Coding change: c.11531del on transcript NM_003482.4 (MANE Select); coding-DNA position 11531, one base deleted (G; older notation c.11531delG).
Protein change: p.Gly3844fs; shifts the reading frame from glycine 3844.
Molecular consequence: frameshift variant.
Genome position (GRCh38, 1-based): chr12:49,033,174, C deleted on the plus strand (G on the coding strand, the reverse complement: KMT2D is on the minus strand); the first of 3 consecutive C bases (chr12:49,033,174-49,033,176); deleting any one gives the same sequence. VCF-style (leftmost placement, unchanged base first): chr12-49033173-AC-A. GRCh37 (hg19) VCF-style: chr12-49426956-AC-A.
Other names: short protein forms G3844fs.
Identifiers: ClinVar variation 3727482 (VCV003727482.2).

ClinVar aggregate classification (germline): Pathogenic (1 of 4 stars; one submission).

Conditions:
Kabuki syndrome. Also called: NIIKAWA-KUROKI SYNDROME; Kabuki make-up syndrome. Identifiers: Orphanet 2322, MedGen C0796004, MONDO:0016512.

Submission:

Labcorp Genetics (formerly Invitae), Labcorp
Classification: Pathogenic for Kabuki syndrome. Last evaluated: 2024-09-10. Review status: criteria provided, single submitter. Criteria: Invitae Variant Classification Sherloc (09022015). Collection method: clinical testing. Allele origin: germline.
Comment: This sequence change creates a premature translational stop signal (p.Gly3844Valfs*37) in the KMT2D gene. It is expected to result in an absent or disrupted protein product. Loss-of-function variants in KMT2D are known to be pathogenic (PMID: 22126750). This variant is not present in population databases (gnomAD no frequency). This variant has not been reported in the literature in individuals affected with KMT2D-related conditions. For these reasons, this variant has been classified as Pathogenic.

Literature cited by the submitters: PubMed 22126750.